The following is an entry in ClinVar:

ClinVar aggregate classification (germline): Uncertain significance (1 of 4 stars; one submission).

Conditions:
Hypertrophic cardiomyopathy. Also called: HYPERTROPHIC MYOCARDIOPATHY. Identifiers: Orphanet 217569, MedGen C0007194, MeSH D002312, MONDO:0005045, HP:0001639.

Submission:

Labcorp Genetics (formerly Invitae), Labcorp
Classification: Uncertain significance for Hypertrophic cardiomyopathy. Last evaluated: 2024-09-06. Review status: criteria provided, single submitter. Criteria: Invitae Variant Classification Sherloc (09022015). Collection method: clinical testing. Allele origin: germline.
Comment: This sequence change replaces isoleucine, which is neutral and non-polar, with asparagine, which is neutral and polar, at codon 625 of the MYOM1 protein (p.Ile625Asn). This variant is not present in population databases (gnomAD no frequency). This variant has not been reported in the literature in individuals affected with MYOM1-related conditions. Invitae Evidence Modeling of protein sequence and biophysical properties (such as structural, functional, and spatial information, amino acid conservation, physicochemical variation, residue mobility, and thermodynamic stability) indicates that this missense variant is expected to disrupt MYOM1 protein function with a positive predictive value of 80%. In summary, the available evidence is currently insufficient to determine the role of this variant in disease. Therefore, it has been classified as a Variant of Uncertain Significance.

NM_003803.4(MYOM1):c.1874T>A (p.Ile625Asn)

Gene: MYOM1 (myomesin 1; minus strand). Cytogenetic location: 18p11.31.
Variant type: single nucleotide variant.
Coding change: c.1874T>A on transcript NM_003803.4 (MANE Select); coding-DNA position 1874, T replaced by A.
Protein change: p.Ile625Asn; replaces isoleucine 625 with asparagine.
Molecular consequence: missense variant.
Genome position (GRCh38, 1-based): chr18:3,149,171, A>T on the plus strand (T>A on the coding strand, the complement: MYOM1 is on the minus strand). VCF-style: chr18-3149171-A-T. GRCh37 (hg19) VCF-style: chr18-3149169-A-T.
Other names: c.1874T>A, p.Ile625Asn (NM_019856.2); short protein forms I625N.
Identifiers: ClinVar variation 3664958 (VCV003664958.2).